The following is an entry in ClinVar:

NM_004560.4(ROR2):c.1589G>A (p.Arg530Gln)

Gene: ROR2 (ROR family WNT receptor 2; minus strand). Cytogenetic location: 9q22.31.
Variant type: single nucleotide variant.
Coding change: c.1589G>A on transcript NM_004560.4 (MANE Select); coding-DNA position 1589, G replaced by A.
Protein change: p.Arg530Gln; replaces arginine 530 with glutamine.
Molecular consequence: missense variant.
Genome position (GRCh38, 1-based): chr9:91,724,905, C>T on the plus strand (G>A on the coding strand, the complement: ROR2 is on the minus strand). VCF-style: chr9-91724905-C-T. GRCh37 (hg19) VCF-style: chr9-94487187-C-T.
Other names: short protein forms R530Q.
Identifiers: ClinVar variation 284633 (VCV000284633.46), dbSNP rs35852786, ClinGen allele CA5120640.

ClinVar aggregate classification (germline): Benign/Likely benign. Review status: criteria provided, multiple submitters, no conflicts (2 of 4 stars). 8 submissions from 7 submitters: Benign (1); Likely benign (7). Last evaluated 2026-07-01.

Conditions:
ROR2-related disorder. Also called: ROR2-related condition; ROR2-related disorders.
Brachydactyly type B1 (BDB1). Identifiers: Orphanet 572385, Orphanet 93383, MedGen C1862112, MONDO:0007220, OMIM 113000.
Autosomal recessive Robinow syndrome (RRS1). Also called: ROBINOW SYNDROME, AUTOSOMAL RECESSIVE 1; COSTOVERTEBRAL SEGMENTATION DEFECT WITH MESOMELIA; COVESDEM SYNDROME; ROR2-Related Robinow Syndrome. Identifiers: Orphanet 1507, Orphanet 97360, MedGen C5399974, MONDO:0009999, OMIM 268310.

Allele frequency attached by ClinVar (database versions not stated): 1000 Genomes Project 30x 0.00109; 1000 Genomes Project 0.00140; gnomAD 0.00156; ESP Exome Variant Server 0.00161; TOPMed 0.00176; ExAC 0.00219.
gnomAD v4.1: 4,619 of 1,607,828 alleles (0.29%); highest among the groups gnomAD compares: South Asian, 0.34%; 16 homozygotes.

Submissions (8):

CeGaT Center for Human Genetics Tuebingen
Classification: Likely benign. Last evaluated: 2026-07-01. Review status: criteria provided, single submitter. Criteria: CeGaT Center For Human Genetics Tuebingen Variant Classification Criteria Version 2. Collection method: clinical testing. Allele origin: germline. Affected: yes. Observed: 5 variant alleles.
Comment: ROR2: BP4, BS2

Labcorp Genetics (formerly Invitae), Labcorp
Classification: Likely benign. Last evaluated: 2026-01-21. Review status: criteria provided, single submitter. Criteria: Invitae Variant Classification Sherloc (09022015). Collection method: clinical testing. Allele origin: germline.

PreventionGenetics, part of Exact Sciences
Classification: Likely benign for ROR2-related condition. Last evaluated: 2025-06-04. Review status: criteria provided, single submitter. Criteria: ACMG Guidelines, 2015. Collection method: clinical testing. Allele origin: germline.
Comment: This variant is classified as likely benign based on ACMG/AMP sequence variant interpretation guidelines (Richards et al. 2015 PMID: 25741868, with internal and published modifications).

Blueprint Genetics
Classification: Likely benign. Last evaluated: 2024-11-26. Review status: criteria provided, single submitter. Criteria: ACMG Guidelines, 2015. Collection method: clinical testing. Allele origin: germline.

GeneDx
Classification: Likely benign. Last evaluated: 2020-06-17. Review status: criteria provided, single submitter. Criteria: GeneDx Variant Classification Process June 2021. Collection method: clinical testing. Allele origin: germline. Affected: yes.

Illumina Laboratory Services, Illumina
Classification: Benign for Brachydactyly type B1. Last evaluated: 2018-01-12. Review status: criteria provided, single submitter. Criteria: ICSL Variant Classification Criteria 13 December 2019. Collection method: clinical testing. Allele origin: germline.
Comment: This variant was observed in the ICSL laboratory as part of a predisposition screen in an ostensibly healthy population. It had not been previously curated by ICSL or reported in the Human Gene Mutation Database (HGMD: prior to June 1st, 2018), and was therefore a candidate for classification through an automated scoring system. Utilizing variant allele frequency, disease prevalence and penetrance estimates, and inheritance mode, an automated score was calculated to assess if this variant is too frequent to cause the disease. Based on the score and internal cut-off values, a variant classified as benign is not then subjected to further curation. The score for this variant resulted in a classification of benign for this disease.

Illumina Laboratory Services, Illumina
Classification: Likely benign for Autosomal recessive Robinow syndrome. Last evaluated: 2018-01-12. Review status: criteria provided, single submitter. Criteria: ICSL Variant Classification Criteria 13 December 2019. Collection method: clinical testing. Allele origin: germline.
Comment: This variant was observed in the ICSL laboratory as part of a predisposition screen in an ostensibly healthy population. It had not been previously curated by ICSL or reported in the Human Gene Mutation Database (HGMD: prior to June 1st, 2018), and was therefore a candidate for classification through an automated scoring system. Utilizing variant allele frequency, disease prevalence and penetrance estimates, and inheritance mode, an automated score was calculated to assess if this variant is too frequent to cause the disease. Based on the score and internal cut-off values, a variant classified as likely benign is not then subjected to further curation. The score for this variant resulted in a classification of likely benign for this disease.

Eurofins Ntd Llc (ga)
Classification: Likely benign. Last evaluated: 2015-11-12. Review status: criteria provided, single submitter. Criteria: EGL Classification Definitions 2015. Collection method: clinical testing. Allele origin: germline. Observed: 2 variant alleles, 2 heterozygotes.